The following is an entry in ClinVar:

NM_004370.6(COL12A1):c.8178+6T>C

Gene: COL12A1 (collagen type XII alpha 1 chain; minus strand). Cytogenetic location: 6q13.
Variant type: single nucleotide variant.
Coding change: c.8178+6T>C on transcript NM_004370.6 (MANE Select); 6 bases into the intron after coding-DNA position 8178, T replaced by C.
Molecular consequence: intron variant.
Genome position (GRCh38, 1-based): chr6:75,106,413, A>G on the plus strand (T>C on the coding strand, the complement: COL12A1 is on the minus strand). VCF-style: chr6-75106413-A-G. GRCh37 (hg19) VCF-style: chr6-75816129-A-G.
Other names: c.4686+6T>C (NM_080645.3).
Identifiers: ClinVar variation 2007453 (VCV002007453.4), dbSNP rs2533127180, ClinGen allele CA2580075798.

ClinVar aggregate classification (germline): Uncertain significance (1 of 4 stars; one submission).

Conditions:
Ullrich congenital muscular dystrophy 2 (UCMD2). Identifiers: Orphanet 75840, MedGen C4225314, MONDO:0014654, OMIM 616470.
Bethlem myopathy 2 (BTHLM2). Identifiers: Orphanet 536516, Orphanet 610, MedGen C4225313, MONDO:0034022, OMIM 616471.

Submission:

Labcorp Genetics (formerly Invitae), Labcorp
Classification: Uncertain significance for Bethlem myopathy 2; Ullrich congenital muscular dystrophy 2. Last evaluated: 2022-08-09. Review status: criteria provided, single submitter. Criteria: Invitae Variant Classification Sherloc (09022015). Collection method: clinical testing. Allele origin: germline.
Comment: Variants that disrupt the consensus splice site are a relatively common cause of aberrant splicing (PMID: 17576681, 9536098). Algorithms developed to predict the effect of sequence changes on RNA splicing suggest that this variant is not likely to affect RNA splicing. In summary, the available evidence is currently insufficient to determine the role of this variant in disease. Therefore, it has been classified as a Variant of Uncertain Significance. This variant has not been reported in the literature in individuals affected with COL12A1-related conditions. This variant is not present in population databases (gnomAD no frequency). This sequence change falls in intron 53 of the COL12A1 gene. It does not directly change the encoded amino acid sequence of the COL12A1 protein. It affects a nucleotide within the consensus splice site.

Literature cited by the submitters: PubMed 17576681; PubMed 9536098.